The following is an entry in ClinVar:

ClinVar aggregate classification (germline): Likely benign. Review status: criteria provided, multiple submitters, no conflicts (2 of 4 stars). 3 submissions from 3 submitters: Likely benign (2). 1 of the submissions does not count toward it. Last evaluated 2024-04-26.

Conditions:
GLI1-related disorder. Also called: GLI1-related condition.

Allele frequency attached by ClinVar (database versions not stated): gnomAD exomes 0.00001 and 0.00008; gnomAD 0.00002 and 0.00003; TOPMed 0.00002; ExAC 0.00012; 1000 Genomes Project 30x 0.00016; 1000 Genomes Project 0.00020.
gnomAD v4.1: 19 of 1,614,014 alleles (0.0012%); highest among the groups gnomAD compares: East Asian, 0.042%; no homozygotes.

Submissions (3):

Blueprint Genetics
Classification: Likely benign. Last evaluated: 2024-04-26. Review status: criteria provided, single submitter. Criteria: ACMG Guidelines, 2015. Collection method: clinical testing. Allele origin: germline.

Labcorp Genetics (formerly Invitae), Labcorp
Classification: Likely benign. Last evaluated: 2018-12-24. Review status: criteria provided, single submitter. Criteria: Invitae Variant Classification Sherloc (09022015). Collection method: clinical testing. Allele origin: germline.

PreventionGenetics, part of Exact Sciences
Classification: Likely benign for GLI1-related condition. Last evaluated: 2019-08-16. Review status: no assertion criteria provided. Collection method: clinical testing. Allele origin: germline. Not counted in ClinVar's aggregate classification.
Comment: This variant is classified as likely benign based on ACMG/AMP sequence variant interpretation guidelines (Richards et al. 2015 PMID: 25741868, with internal and published modifications).

NM_005269.3(GLI1):c.1530G>A (p.Arg510=)

Gene: GLI1 (GLI family zinc finger 1; plus strand). Cytogenetic location: 12q13.3.
Variant type: single nucleotide variant.
Coding change: c.1530G>A on transcript NM_005269.3 (MANE Select); coding-DNA position 1530, G replaced by A.
Protein change: p.Arg510=; no amino-acid change (arginine 510 retained).
Molecular consequence: synonymous variant.
Genome position (GRCh38, 1-based): chr12:57,469,652, G>A. VCF-style: chr12-57469652-G-A. GRCh37 (hg19) VCF-style: chr12-57863435-G-A.
Other names: c.1146G>A, p.Arg382= (NM_001160045.2); c.1407G>A, p.Arg469= (NM_001167609.2).
Identifiers: ClinVar variation 798891 (VCV000798891.6), dbSNP rs551972267, ClinGen allele CA6648806.